The following is an entry in ClinVar:

NM_001105206.3(LAMA4):c.1077+286C>T

Gene: LAMA4 (laminin subunit alpha 4; minus strand). Cytogenetic location: 6q21.
Variant type: single nucleotide variant.
Coding change: c.1077+286C>T on transcript NM_001105206.3 (MANE Select); 286 bases into the intron after coding-DNA position 1077, C replaced by T.
Molecular consequence: intron variant.
Genome position (GRCh38, 1-based): chr6:112,184,951, G>A on the plus strand (C>T on the coding strand, the complement: LAMA4 is on the minus strand). VCF-style: chr6-112184951-G-A. GRCh37 (hg19) VCF-style: chr6-112506153-G-A.
Other names: c.1056+286C>T (NM_002290.5, NM_001105207.3).
Identifiers: ClinVar variation 672854 (VCV000672854.1), dbSNP rs75033695, ClinGen allele CA144883063.

ClinVar aggregate classification (germline): Likely benign (1 of 4 stars; one submission).

Allele frequency attached by ClinVar (database versions not stated): gnomAD 0.00592 and 0.00644; 1000 Genomes Project 30x 0.00625; 1000 Genomes Project 0.00639; TOPMed 0.00675.
gnomAD v4.1: 891 of 152,268 alleles (0.59%); highest among the groups gnomAD compares: African/African-American, 2%; 5 homozygotes.

Submission:

GeneDx
Classification: Likely benign. Last evaluated: 2018-06-14. Review status: criteria provided, single submitter. Criteria: GeneDx Variant Classification (06012015). Collection method: clinical testing. Allele origin: germline. Affected: yes.
Comment: This variant is considered likely benign or benign based on one or more of the following criteria: it is a conservative change, it occurs at a poorly conserved position in the protein, it is predicted to be benign by multiple in silico algorithms, and/or has population frequency not consistent with disease.